The following is an entry in ClinVar:

NM_000455.5(STK11):c.178dup (p.Tyr60fs)

Gene: STK11 (serine/threonine kinase 11; plus strand). Cytogenetic location: 19p13.3.
Variant type: Duplication.
Coding change: c.178dup on transcript NM_000455.5 (MANE Select); coding-DNA position 178, one base duplicated (T; older notation c.178dupT).
Protein change: p.Tyr60fs; shifts the reading frame from tyrosine 60.
Molecular consequence: frameshift variant. On other transcripts: non-coding transcript variant (1).
Genome position (GRCh38, 1-based): chr19:1,207,091, T duplicated; the last of 2 consecutive T bases (chr19:1,207,090-1,207,091); duplicating either gives the same sequence. VCF-style (leftmost placement, unchanged base first): chr19-1207089-C-CT. GRCh37 (hg19) VCF-style: chr19-1207088-C-CT.
Other names: c.178dup, p.Tyr60fs (NM_001407255.1); short protein forms Y60fs.
Identifiers: ClinVar variation 2578814 (VCV002578814.25), dbSNP rs2512921282, ClinGen allele CA2580617856.

ClinVar aggregate classification (germline): Pathogenic (1 of 4 stars; one submission).

Submission:

CeGaT Center for Human Genetics Tuebingen
Classification: Pathogenic. Last evaluated: 2023-08-01. Review status: criteria provided, single submitter. Criteria: CeGaT Center For Human Genetics Tuebingen Variant Classification Criteria Version 2. Collection method: clinical testing. Allele origin: germline. Affected: yes. Observed: 1 variant allele.
Comment: STK11: PVS1, PM2, PP4